The following is an entry in ClinVar:

ClinVar aggregate classification (germline): Uncertain significance (1 of 4 stars; one submission).

Conditions:
Multiple congenital exostosis (EXT). Also called: Hereditary multiple osteochondromas; MULTIPLE CARTILAGINOUS EXOSTOSES; Hereditary multiple exostoses; Hereditary multiple exostosis; Multiple osteochondromas; Multiple exostoses. Identifiers: Orphanet 321, MedGen C0015306, MONDO:0005508, HP:0002762.

Allele frequency attached by ClinVar (database versions not stated): gnomAD exomes 0.00001 and 0.00002; ExAC 0.00002; TOPMed 0.00005; gnomAD 0.00006.
gnomAD v4.1: 18 of 1,600,924 alleles (0.0011%); highest among the groups gnomAD compares: African/African-American, 0.024%; no homozygotes.

Submission:

Labcorp Genetics (formerly Invitae), Labcorp
Classification: Uncertain significance for Multiple congenital exostosis. Last evaluated: 2025-08-16. Review status: criteria provided, single submitter. Criteria: Invitae Variant Classification Sherloc (09022015). Collection method: clinical testing. Allele origin: germline.
Comment: This sequence change replaces isoleucine, which is neutral and non-polar, with phenylalanine, which is neutral and non-polar, at codon 9 of the EXT1 protein (p.Ile9Phe). This variant is present in population databases (rs772883826, gnomAD 0.02%). This variant has not been reported in the literature in individuals affected with EXT1-related conditions. ClinVar contains an entry for this variant (Variation ID: 1493569). Invitae Evidence Modeling of protein sequence and biophysical properties (such as structural, functional, and spatial information, amino acid conservation, physicochemical variation, residue mobility, and thermodynamic stability) has been performed for this missense variant. However, the output from this modeling did not meet the statistical confidence thresholds required to predict the impact of this variant on EXT1 protein function. In summary, the available evidence is currently insufficient to determine the role of this variant in disease. Therefore, it has been classified as a Variant of Uncertain Significance.

NM_000127.3(EXT1):c.25A>T (p.Ile9Phe)

Gene: EXT1 (exostosin glycosyltransferase 1; minus strand). Cytogenetic location: 8q24.11.
Variant type: single nucleotide variant.
Coding change: c.25A>T on transcript NM_000127.3 (MANE Select); coding-DNA position 25, A replaced by T.
Protein change: p.Ile9Phe; replaces isoleucine 9 with phenylalanine.
Molecular consequence: missense variant.
Genome position (GRCh38, 1-based): chr8:118,111,022, T>A on the plus strand (A>T on the coding strand, the complement: EXT1 is on the minus strand). VCF-style: chr8-118111022-T-A. GRCh37 (hg19) VCF-style: chr8-119123261-T-A.
Other names: short protein forms I9F.
Identifiers: ClinVar variation 1493569 (VCV001493569.8), dbSNP rs772883826, ClinGen allele CA4854446.